The following is an entry in ClinVar:

NM_133443.4(GPT2):c.1434C>T (p.Val478=)

Gene: GPT2 (glutamic--pyruvic transaminase 2; plus strand). Cytogenetic location: 16q11.2.
Variant type: single nucleotide variant.
Coding change: c.1434C>T on transcript NM_133443.4 (MANE Select); coding-DNA position 1434, C replaced by T.
Protein change: p.Val478=; no amino-acid change (valine 478 retained).
Molecular consequence: synonymous variant.
Genome position (GRCh38, 1-based): chr16:46,926,990, C>T. VCF-style: chr16-46926990-C-T. GRCh37 (hg19) VCF-style: chr16-46960902-C-T.
Other names: c.1134C>T, p.Val378= (NM_001142466.3).
Identifiers: ClinVar variation 795088 (VCV000795088.17), dbSNP rs377744349, ClinGen allele CA8038927.

ClinVar aggregate classification (germline): Likely benign. Review status: criteria provided, multiple submitters, no conflicts (2 of 4 stars). 2 submissions from 2 submitters: Likely benign (2). Last evaluated 2024-11-01.

Allele frequency attached by ClinVar (database versions not stated): ExAC 0.00003; gnomAD 0.00003; gnomAD exomes 0.00003; TOPMed 0.00003; ESP Exome Variant Server 0.00015.
gnomAD v4.1: 52 of 1,609,564 alleles (0.0032%); highest among the groups gnomAD compares: African/African-American, 0.0053%; no homozygotes.

Submissions (2):

CeGaT Center for Human Genetics Tuebingen
Classification: Likely benign. Last evaluated: 2024-11-01. Review status: criteria provided, single submitter. Criteria: CeGaT Center For Human Genetics Tuebingen Variant Classification Criteria Version 2. Collection method: clinical testing. Allele origin: germline. Affected: yes. Observed: 1 variant allele.
Comment: GPT2: BP4, BP7

Labcorp Genetics (formerly Invitae), Labcorp
Classification: Likely benign. Last evaluated: 2018-11-26. Review status: criteria provided, single submitter. Criteria: Invitae Variant Classification Sherloc (09022015). Collection method: clinical testing. Allele origin: germline.